The following is an entry in ClinVar:

NM_001114753.3(ENG):c.880_881del (p.Asp294fs)

Gene: ENG (endoglin; minus strand). Cytogenetic location: 9q34.11.
Variant type: Deletion.
Coding change: c.880_881del on transcript NM_001114753.3 (MANE Select); coding-DNA positions 880 to 881, 2 bases deleted (GA; older notation c.880_881delGA).
Protein change: p.Asp294fs; shifts the reading frame from aspartic acid 294.
Molecular consequence: frameshift variant.
Genome position (GRCh38, 1-based): chr9:127,824,910-127,824,911, TC deleted on the plus strand (GA on the coding strand, the reverse complement: ENG is on the minus strand); deleting any 2 consecutive bases within chr9:127,824,910-127,824,912 gives the same sequence; the c. name uses the placement nearest the transcript's 3' end. VCF-style (leftmost placement, unchanged base first): chr9-127824909-GTC-G. GRCh37 (hg19) VCF-style: chr9-130587188-GTC-G.
Other names: c.879_880delAG, p.Asp294Hisfs (NM_000118.4, NM_001406715.1); c.334_335del, p.Asp112fs (NM_001278138.2); c.880_881delGA (NM_000118.3); short protein forms D112fs, D294fs.
Identifiers: ClinVar variation 284669 (VCV000284669.16), dbSNP rs886042916, ClinGen allele CA10604865.

ClinVar aggregate classification (germline): Pathogenic. Review status: criteria provided, multiple submitters, no conflicts (2 of 4 stars). 2 submissions from 2 submitters: Pathogenic (2). Last evaluated 2021-04-01.

Conditions:
Hereditary hemorrhagic telangiectasia (HHT). Also called: ORW DISEASE; Osler Weber Rendu syndrome; OSLER-RENDU-WEBER DISEASE; Osler hemorrhagic telangiectasia syndrome. Identifiers: Orphanet 774, MedGen C0039445, MONDO:0019180. Disease mechanism: loss of function.

Submissions (2):

Labcorp Genetics (formerly Invitae), Labcorp
Classification: Pathogenic for Hereditary hemorrhagic telangiectasia. Last evaluated: 2021-04-01. Review status: criteria provided, single submitter. Criteria: Invitae Variant Classification Sherloc (09022015). Collection method: clinical testing. Allele origin: germline.
Comment: This sequence change creates a premature translational stop signal (p.Asp294Hisfs*39) in the ENG gene. It is expected to result in an absent or disrupted protein product. This variant is not present in population databases (ExAC no frequency). This variant has not been reported in the literature in individuals with ENG-related conditions. ClinVar contains an entry for this variant (Variation ID: 284669). Loss-of-function variants in ENG are known to be pathogenic (PMID: 15879500, 20656886, 22385575). For these reasons, this variant has been classified as Pathogenic.

Eurofins Ntd Llc (ga)
Classification: Pathogenic. Last evaluated: 2015-11-17. Review status: criteria provided, single submitter. Criteria: EGL Classification Definitions 2015. Collection method: clinical testing. Allele origin: germline. Observed: 1 variant allele, 1 heterozygote.

Literature cited by the submitters: PubMed 15879500 (cited by Labcorp Genetics (formerly Invitae), Labcorp); PubMed 20656886 (cited by Labcorp Genetics (formerly Invitae), Labcorp); PubMed 22385575 (cited by Labcorp Genetics (formerly Invitae), Labcorp).